The following is an entry in ClinVar:

NM_001256071.3(RNF213):c.2813T>C (p.Val938Ala)

Gene: RNF213 (ring finger protein 213; plus strand). Cytogenetic location: 17q25.3.
Variant type: single nucleotide variant.
Coding change: c.2813T>C on transcript NM_001256071.3 (MANE Select); coding-DNA position 2813, T replaced by C.
Protein change: p.Val938Ala; replaces valine 938 with alanine.
Molecular consequence: missense variant.
Genome position (GRCh38, 1-based): chr17:80,317,189, T>C. VCF-style: chr17-80317189-T-C. GRCh37 (hg19) VCF-style: chr17-78290989-T-C.
Other names: c.2960T>C, p.Val987Ala (NM_001410195.1, NM_020914.5); c.2813T>C, p.Val938Ala (NM_020954.4); short protein forms V938A, V987A.
Identifiers: ClinVar variation 3769748 (VCV003769748.1).

ClinVar aggregate classification (germline): Uncertain significance (1 of 4 stars; one submission).

gnomAD v4.1: 6 of 1,611,534 alleles (0.00037%); highest among the groups gnomAD compares: Non-Finnish European, 0.00051%; no homozygotes.

Submission:

GeneDx
Classification: Uncertain significance. Last evaluated: 2024-09-15. Review status: criteria provided, single submitter. Criteria: GeneDx Variant Classification Process June 2021. Collection method: clinical testing. Allele origin: germline. Affected: yes.
Comment: Not observed at significant frequency in large population cohorts (gnomAD); In silico analysis indicates that this missense variant does not alter protein structure/function; Has not been previously published as pathogenic or benign to our knowledge